The following is an entry in ClinVar:

ClinVar aggregate classification (germline): Uncertain significance. Review status: criteria provided, multiple submitters, no conflicts (2 of 4 stars). 3 submissions from 3 submitters: Uncertain significance (2). 1 of the submissions does not count toward it. Last evaluated 2024-05-23.

Conditions:
Split hand-foot malformation 4. Also called: Split-Hand/Foot Malformation Type 4 (SHFM4); Split-Hand/Foot Malformation Type 4 (SHFM4 syndrome). Identifiers: Orphanet 2440, MedGen C1854442, MONDO:0011535, OMIM 605289.
Premature ovarian failure 21 (POF21). Identifiers: MedGen C5830399, MONDO:0957216, OMIM 620311.
Orofacial cleft 8. Also called: Cleft lip with or without cleft palate, nonsyndromic, 8. Identifiers: MedGen C1851878, MONDO:0029145, OMIM 618149.
Rapp-Hodgkin syndrome (RHS). Also called: Rapp-Hodgkin ectodermal dysplasia syndrome; Isolated Cleft Lip/Cleft Palate (Orofacial Cleft 8); ECTODERMAL DYSPLASIA, ANHIDROTIC, WITH CLEFT LIP/PALATE. Identifiers: MedGen C1785148, MONDO:0007508, OMIM 129400.
ADULT syndrome. Also called: ACRO-DERMATO-UNGUAL-LACRIMAL-TOOTH SYNDROME; Acro-Dermo-Ungual-Lacrimal-Tooth Syndrome (ADULT Syndrome); Acro-dermato-ungual-lacrimal-tooth (adult) syndrome. Identifiers: Orphanet 978, MedGen C1863204, MONDO:0007072, OMIM 103285.
Limb-mammary syndrome (LMS). Also called: Mammary hypoplasia, ectrodactyly, and other hand/foot anomalies. Identifiers: Orphanet 69085, MedGen C1863753, MONDO:0011334, OMIM 603543.
Ectrodactyly, ectodermal dysplasia, and cleft lip-palate syndrome 3. Also called: Ectrodactyly, Ectodermal Dysplasia, Cleft Lip/Palate Syndrome 3 (EEC3); Ectrodactyly, Ectodermal Dysplasia, Clefting Syndrome; Ectrodactyly, Ectodermal Dysplasia, Clefting Syndrome Type 3 (EEC3); EEC SYNDROME 3. Identifiers: Orphanet 1896, MedGen C1858562, MONDO:0011428, OMIM 604292.
Ankyloblepharon-ectodermal defects-cleft lip/palate syndrome. Also called: HAY-WELLS SYNDROME; AEC SYNDROME; Hay-Wells syndrome of ectodermal dysplasia; Ankyloblepharon-ectodermal defects, cleft lip/palate; Ankyloblepharon-Ectodermal Defects-Cleft Lip/Palate Syndrome (AEC Syndrome). Identifiers: Orphanet 1071, MedGen C0406709, MONDO:0007124, OMIM 106260.
TP63-Related Spectrum Disorders.

Allele frequency attached by ClinVar (database versions not stated): TOPMed 0.00002; gnomAD exomes 0.00001.
gnomAD v4.1: 14 of 1,614,072 alleles (0.00087%); highest among the groups gnomAD compares: South Asian, 0.0011%; no homozygotes.

Submissions (3):

Labcorp Genetics (formerly Invitae), Labcorp
Classification: Uncertain significance. Last evaluated: 2024-05-23. Review status: criteria provided, single submitter. Criteria: Invitae Variant Classification Sherloc (09022015). Collection method: clinical testing. Allele origin: germline.
Comment: This sequence change replaces arginine, which is basic and polar, with cysteine, which is neutral and slightly polar, at codon 97 of the TP63 protein (p.Arg97Cys). This variant is present in population databases (rs121908848, gnomAD 0.003%). This missense change has been observed in individual(s) with isolated ectrodactyly (PMID: 15736220). ClinVar contains an entry for this variant (Variation ID: 6549). Advanced modeling performed at Invitae incorporating data from internal and/or published experimental studies (Invitae) did not meet the statistical confidence thresholds required to predict the impact of this variant on TP63 function. In summary, the available evidence is currently insufficient to determine the role of this variant in disease. Therefore, it has been classified as a Variant of Uncertain Significance.

Fulgent Genetics
Classification: Uncertain significance for ADULT syndrome; Ankyloblepharon-ectodermal defects-cleft lip/palate syndrome; Rapp-Hodgkin syndrome; Limb-mammary syndrome; Ectrodactyly, ectodermal dysplasia, and cleft lip-palate syndrome 3; Split hand-foot malformation 4; Orofacial cleft 8; Premature ovarian failure 21. Last evaluated: 2024-05-18. Review status: criteria provided, single submitter. Criteria: ACMG Guidelines, 2015. Collection method: clinical testing. Allele origin: germline.

OMIM
Classification: Pathogenic for SPLIT-HAND/FOOT MALFORMATION 4. Last evaluated: 2005-04-01. Review status: no assertion criteria provided. Collection method: literature only. Allele origin: germline. Not counted in ClinVar's aggregate classification.

Literature cited by the submitters: PubMed 15736220 (cited by Labcorp Genetics (formerly Invitae), Labcorp and OMIM).

NM_003722.5(TP63):c.289C>T (p.Arg97Cys)

Gene: TP63 (tumor protein p63; plus strand). Cytogenetic location: 3q28.
Variant type: single nucleotide variant.
Coding change: c.289C>T on transcript NM_003722.5 (MANE Select); coding-DNA position 289, C replaced by T.
Protein change: p.Arg97Cys; replaces arginine 97 with cysteine.
Molecular consequence: missense variant.
Genome position (GRCh38, 1-based): chr3:189,738,739, C>T. VCF-style: chr3-189738739-C-T. GRCh37 (hg19) VCF-style: chr3-189456528-C-T.
Other names: c.289C>T, p.Arg97Cys (NM_001114978.2, NM_001114979.2, NM_001329144.2 and 1 more transcripts); c.283C>T, p.Arg95Cys (NM_001329964.2); short protein forms R97C, R95C.
Identifiers: ClinVar variation 6549 (VCV000006549.8), dbSNP rs121908848, ClinGen allele CA118346.